The following is an entry in ClinVar:

NM_003579.4(RAD54L):c.1250C>G (p.Thr417Arg)

Gene: RAD54L (RAD54 like; plus strand). Cytogenetic location: 1p34.1.
Variant type: single nucleotide variant.
Coding change: c.1250C>G on transcript NM_003579.4 (MANE Select); coding-DNA position 1250, C replaced by G.
Protein change: p.Thr417Arg; replaces threonine 417 with arginine.
Molecular consequence: missense variant.
Genome position (GRCh38, 1-based): chr1:46,272,677, C>G. VCF-style: chr1-46272677-C-G. GRCh37 (hg19) VCF-style: chr1-46738349-C-G.
Other names: c.1250C>G, p.Thr417Arg (NM_001142548.2); c.710C>G, p.Thr237Arg (NM_001370766.1); short protein forms T237R, T417R.
Identifiers: ClinVar variation 1760614 (VCV001760614.2), dbSNP rs765297873, ClinGen allele CA21897163.

ClinVar aggregate classification (germline): Uncertain significance (1 of 4 stars; one submission).

gnomAD v4.1: 4 of 1,614,052 alleles (0.00025%); highest among the groups gnomAD compares: African/African-American, 0.0053%; no homozygotes.

Submission:

Ambry Genetics
Classification: Uncertain significance. Last evaluated: 2024-03-19. Review status: criteria provided, single submitter. Criteria: Ambry Variant Classification Scheme 2023. Collection method: clinical testing. Allele origin: germline.
Comment: The p.T417R variant (also known as c.1250C>G), located in coding exon 12 of the RAD54L gene, results from a C to G substitution at nucleotide position 1250. The threonine at codon 417 is replaced by arginine, an amino acid with similar properties. This amino acid position is conserved. In addition, this alteration is predicted to be deleterious by in silico analysis. Since supporting evidence is limited at this time, the clinical significance of this alteration remains unclear.